The following is an entry in ClinVar:

NC_012920.1(MT-ND6):m.14493dup

Gene: MT-ND6 (mitochondrially encoded NADH dehydrogenase 6; minus strand).
Variant type: Duplication.
Genome position: chrM-14488-T-TC.
Identifiers: ClinVar variation 5003150 (VCV005003150.1).

ClinVar aggregate classification (germline): Uncertain significance (1 of 4 stars; one submission).

Conditions:
Leigh syndrome (NULS). Also called: LEIGH SYNDROME, NUCLEAR; Leigh's syndrome; Leigh Disease; Subacute necrotizing encephalopathy; Necrotizing encephalopathy infantile subacute of Leigh; Leigh Syndrome (mtDNA deletion). Identifiers: Orphanet 506, MedGen C2931891, MONDO:0009723, OMIM 256000.

Submission:

OLLIN Analises Genomicas, OLLIN
Classification: Uncertain significance for Leigh syndrome. Last evaluated: 2026-08-06. Review status: criteria provided, single submitter. Criteria: ACMG Guidelines 2015 PMID 25741868. Collection method: clinical testing. Allele origin: germline.
Comment: This frameshift variant, located in exon 1 (of 1), has been observed in gnomAD with an allele frequency of 0.000062%, but has not been reported in ClinVar or identified in the literature. This variant causes a frameshift and introduces a premature stop codon, which is predicted to result in either a truncated protein or degradation of the mRNA via nonsense-mediated decay (NMD). According to the currently available evidence, this variant has been classified as uncertain significance (PVS1_S, PM2_P).